The following is an entry in ClinVar:

NM_001256864.2(DNAJC6):c.1612C>G (p.Pro538Ala)

Gene: DNAJC6 (DnaJ heat shock protein family (Hsp40) member C6; plus strand). Cytogenetic location: 1p31.3.
Variant type: single nucleotide variant.
Coding change: c.1612C>G on transcript NM_001256864.2 (MANE Select); coding-DNA position 1612, C replaced by G.
Protein change: p.Pro538Ala; replaces proline 538 with alanine.
Molecular consequence: missense variant.
Genome position (GRCh38, 1-based): chr1:65,392,574, C>G. VCF-style: chr1-65392574-C-G. GRCh37 (hg19) VCF-style: chr1-65858257-C-G.
Other names: c.1402C>G, p.Pro468Ala (NM_001256865.2); c.1441C>G, p.Pro481Ala (NM_014787.4); short protein forms P468A, P481A, P538A.
Identifiers: ClinVar variation 3676336 (VCV003676336.2).

ClinVar aggregate classification (germline): Uncertain significance (1 of 4 stars; one submission).

Conditions:
Juvenile onset Parkinson disease 19A. Also called: DNAJC6 Parkinson Disease; PARK19. Identifiers: Orphanet 391411, MedGen C3809811, MONDO:0014231, OMIM 615528.

gnomAD v4.1: 7 of 1,614,036 alleles (0.00043%); highest among the groups gnomAD compares: Non-Finnish European, 0.00059%; no homozygotes.

Submission:

Labcorp Genetics (formerly Invitae), Labcorp
Classification: Uncertain significance for Juvenile onset Parkinson disease 19A. Last evaluated: 2024-06-05. Review status: criteria provided, single submitter. Criteria: Invitae Variant Classification Sherloc (09022015). Collection method: clinical testing. Allele origin: germline.
Comment: This sequence change replaces proline, which is neutral and non-polar, with alanine, which is neutral and non-polar, at codon 538 of the DNAJC6 protein (p.Pro538Ala). This variant is not present in population databases (gnomAD no frequency). This variant has not been reported in the literature in individuals affected with DNAJC6-related conditions. An algorithm developed to predict the effect of missense changes on protein structure and function (PolyPhen-2) suggests that this variant is likely to be tolerated. In summary, the available evidence is currently insufficient to determine the role of this variant in disease. Therefore, it has been classified as a Variant of Uncertain Significance.